The following is an entry in ClinVar:

NM_002691.4(POLD1):c.2383G>T (p.Glu795Ter)

Gene: POLD1 (DNA polymerase delta 1, catalytic subunit; plus strand). Cytogenetic location: 19q13.33.
Variant type: single nucleotide variant.
Coding change: c.2383G>T on transcript NM_002691.4 (MANE Select); coding-DNA position 2383, G replaced by T.
Protein change: p.Glu795Ter; replaces glutamic acid 795 with a stop codon.
Molecular consequence: nonsense. On other transcripts: non-coding transcript variant (1).
Genome position (GRCh38, 1-based): chr19:50,413,874, G>T. VCF-style: chr19-50413874-G-T. GRCh37 (hg19) VCF-style: chr19-50917131-G-T.
Other names: c.2383G>T, p.Glu795Ter (NM_001256849.1); c.2461G>T, p.Glu821Ter (NM_001308632.1); short protein forms E795*, E821*.
Identifiers: ClinVar variation 1347974 (VCV001347974.5), dbSNP rs2122451718, ClinGen allele CA406984416.
Genomic context (GRCh38, chr19:50,413,874, plus strand): 5'-GGGCGGGAGGCCGCGGACTGGGTGTCAGGTCACTTCCCGTCGCCCATCCGGCTGGAGTTT[G>T]AGAAGGTGCGTGGCTGGGTCAGGGGCTCTGCATTTAGGTGCCCTCATCAGGGTACTCAGG-3'

ClinVar aggregate classification (germline): Uncertain significance (1 of 4 stars; one submission).

Conditions:
POLD1-related polyposis and colorectal cancer syndrome (CRCS10). Also called: Colorectal cancer, susceptibility to, 10; Colorectal cancer 10; COLORECTAL CANCER, SUSCEPTIBILITY TO, ON CHROMOSOME 19q. Identifiers: Orphanet 220460, MedGen C2675481, MONDO:0012953, OMIM 612591.

Submission:

Labcorp Genetics (formerly Invitae), Labcorp
Classification: Uncertain significance for POLD1-related polyposis and colorectal cancer syndrome. Last evaluated: 2025-01-20. Review status: criteria provided, single submitter. Criteria: Invitae Variant Classification Sherloc (09022015). Collection method: clinical testing. Allele origin: germline.
Comment: This sequence change creates a premature translational stop signal (p.Glu795*) in the POLD1 gene. Missense variants that disrupt the 3'-5' exonuclease (proof-reading) activity of the POLD1 protein are associated with PPAP (polymerase proofreading–associated polyposis) (PMID: 23263490, 23447401). However, loss-of-function variants that result in an absent or severely disrupted POLD1 protein, and missense variants outside the exonuclease domain, are unlikely to be associated with PPAP. This variant is not present in population databases (gnomAD no frequency). This variant has not been reported in the literature in individuals affected with POLD1-related conditions. ClinVar contains an entry for this variant (Variation ID: 1347974). Experimental studies and prediction algorithms are not available or were not evaluated, and the functional significance of this variant is currently unknown. In summary, the available evidence is currently insufficient to determine the role of this variant in disease. Therefore, it has been classified as a Variant of Uncertain Significance.

Literature cited by the submitters: PubMed 23263490; PubMed 23447401.